The following is an entry in ClinVar:

ClinVar aggregate classification (germline): Uncertain significance (1 of 4 stars; one submission).

Conditions:
Familial melanoma. Also called: Hereditary melanoma; Hereditary cutaneous melanoma. Identifiers: Orphanet 618, MedGen C1512419, MONDO:0018961.

Submission:

Labcorp Genetics (formerly Invitae), Labcorp
Classification: Uncertain significance for Familial melanoma. Last evaluated: 2018-12-24. Review status: criteria provided, single submitter. Criteria: Invitae Variant Classification Sherloc (09022015). Collection method: clinical testing. Allele origin: germline.
Comment: This variant is not present in population databases (ExAC no frequency). This variant has not been reported in the literature in individuals with CDKN2A (p16INK4a)-related conditions. Algorithms developed to predict the effect of missense changes on protein structure and function (SIFT, PolyPhen-2, Align-GVGD) all suggest that this variant is likely to be tolerated, but these predictions have not been confirmed by published functional studies and their clinical significance is uncertain. In summary, the available evidence is currently insufficient to determine the role of this variant in disease. Therefore, it has been classified as a Variant of Uncertain Significance. This sequence change replaces proline with alanine at codon 11 of the CDKN2A (p16INK4a) protein (p.Pro11Ala). The proline residue is weakly conserved and there is a small physicochemical difference between proline and alanine.

NM_000077.5(CDKN2A):c.31C>G (p.Pro11Ala)

Gene: CDKN2A (cyclin dependent kinase inhibitor 2A; minus strand). Cytogenetic location: 9p21.3.
Variant type: single nucleotide variant.
Coding change: c.31C>G on transcript NM_000077.5; coding-DNA position 31, C replaced by G.
Protein change: p.Pro11Ala; replaces proline 11 with alanine.
Molecular consequence: missense variant (on NM_000077.6). On other transcripts: intron variant (2).
Genome position (GRCh38, 1-based): chr9:21,974,797, G>C on the plus strand (C>G on the coding strand, the complement: CDKN2A is on the minus strand). VCF-style: chr9-21974797-G-C. GRCh37 (hg19) VCF-style: chr9-21974796-G-C.
Other names: c.31C>G, p.Pro11Ala (NM_000077.6, NM_001195132.2, NM_058197.5); c.-3-3589C>G (NM_001363763.2); c.194-3589C>G (NM_058195.4); short protein forms P11A.
Identifiers: ClinVar variation 651162 (VCV000651162.8), dbSNP rs1587340371, ClinGen allele CA373086682.